The following is an entry in ClinVar:

NM_004530.6(MMP2):c.1340C>T (p.Ala447Val)

Gene: MMP2 (matrix metallopeptidase 2; plus strand). Cytogenetic location: 16q12.2.
Variant type: single nucleotide variant.
Coding change: c.1340C>T on transcript NM_004530.6 (MANE Select); coding-DNA position 1340, C replaced by T.
Protein change: p.Ala447Val; replaces alanine 447 with valine.
Molecular consequence: missense variant.
Genome position (GRCh38, 1-based): chr16:55,493,161, C>T. VCF-style: chr16-55493161-C-T. GRCh37 (hg19) VCF-style: chr16-55527073-C-T.
Other names: c.1190C>T, p.Ala397Val (NM_001127891.3); c.1112C>T, p.Ala371Val (NM_001302508.1, NM_001302509.2, NM_001302510.2); short protein forms A447V, A371V, A397V.
Identifiers: ClinVar variation 319760 (VCV000319760.18), dbSNP rs17859943, ClinGen allele CA8060414.

ClinVar aggregate classification (germline): Benign. Review status: criteria provided, multiple submitters, no conflicts (2 of 4 stars). 4 submissions from 4 submitters: Benign (3). 1 of the submissions does not count toward it. Last evaluated 2025-12-22.

Conditions:
Multicentric osteolysis nodulosis arthropathy spectrum. Identifiers: Orphanet 3460, Orphanet 371428, MedGen C1850155, MONDO:0018298.
MMP2-related disorder. Also called: MMP2-related condition.

Allele frequency attached by ClinVar (database versions not stated): gnomAD exomes 0.00253; ExAC 0.00307; gnomAD 0.00882 and 0.00942; TOPMed 0.01012; ESP Exome Variant Server 0.01031; 1000 Genomes Project 0.01138; 1000 Genomes Project 30x 0.01218.
gnomAD v4.1: 2,973 of 1,613,624 alleles (0.18%); highest among the groups gnomAD compares: African/African-American, 3%; 46 homozygotes.

Submissions (4):

Labcorp Genetics (formerly Invitae), Labcorp
Classification: Benign. Last evaluated: 2025-12-22. Review status: criteria provided, single submitter. Criteria: Invitae Variant Classification Sherloc (09022015). Collection method: clinical testing. Allele origin: germline.

Illumina Laboratory Services, Illumina
Classification: Benign for Multicentric osteolysis, nodulosis, and arthropathy. Last evaluated: 2018-01-13. Review status: criteria provided, single submitter. Criteria: ICSL Variant Classification Criteria 13 December 2019. Collection method: clinical testing. Allele origin: germline.
Comment: This variant was observed in the ICSL laboratory as part of a predisposition screen in an ostensibly healthy population. It had not been previously curated by ICSL or reported in the Human Gene Mutation Database (HGMD: prior to June 1st, 2018), and was therefore a candidate for classification through an automated scoring system. Utilizing variant allele frequency, disease prevalence and penetrance estimates, and inheritance mode, an automated score was calculated to assess if this variant is too frequent to cause the disease. Based on the score and internal cut-off values, a variant classified as benign is not then subjected to further curation. The score for this variant resulted in a classification of benign for this disease.

Breakthrough Genomics
Classification: Benign. Review status: criteria provided, single submitter. Criteria: ACMG Guidelines, 2015. Collection method: not provided. Allele origin: germline. Inheritance: Autosomal recessive inheritance. Affected: yes.

PreventionGenetics, part of Exact Sciences
Classification: Benign for MMP2-related condition. Last evaluated: 2020-02-07. Review status: no assertion criteria provided. Collection method: clinical testing. Allele origin: germline. Not counted in ClinVar's aggregate classification.
Comment: This variant is classified as benign based on ACMG/AMP sequence variant interpretation guidelines (Richards et al. 2015 PMID: 25741868, with internal and published modifications).